The following is an entry in ClinVar:

NM_001122630.2(CDKN1C):c.372G>T (p.Gln124His)

Gene: CDKN1C (cyclin dependent kinase inhibitor 1C; minus strand). Cytogenetic location: 11p15.4.
Variant type: single nucleotide variant.
Coding change: c.372G>T on transcript NM_001122630.2 (MANE Select); coding-DNA position 372, G replaced by T.
Protein change: p.Gln124His; replaces glutamine 124 with histidine.
Molecular consequence: missense variant. On other transcripts: intron variant (1).
Genome position (GRCh38, 1-based): chr11:2,885,085, C>A on the plus strand (G>T on the coding strand, the complement: CDKN1C is on the minus strand). VCF-style: chr11-2885085-C-A. GRCh37 (hg19) VCF-style: chr11-2906315-C-A.
Other names: c.405G>T, p.Gln135His (NM_000076.2, NM_001362474.2); c.372G>T, p.Gln124His (NM_001122631.2); c.255+117G>T (NM_001362475.2); short protein forms Q124H, Q135H.
Identifiers: ClinVar variation 954927 (VCV000954927.9), dbSNP rs1848958051, ClinGen allele CA379146761.

ClinVar aggregate classification (germline): Uncertain significance (1 of 4 stars; one submission).

Conditions:
Beckwith-Wiedemann syndrome (BWS). Also called: EMG SYNDROME; Exomphalos macroglossia gigantism syndrome. Identifiers: Orphanet 116, MedGen C0004903, MONDO:0007534, OMIM 130650.

Submission:

Labcorp Genetics (formerly Invitae), Labcorp
Classification: Uncertain significance for Beckwith-Wiedemann syndrome. Last evaluated: 2019-08-19. Review status: criteria provided, single submitter. Criteria: Invitae Variant Classification Sherloc (09022015). Collection method: clinical testing. Allele origin: germline.
Comment: Algorithms developed to predict the effect of missense changes on protein structure and function are either unavailable or do not agree on the potential impact of this missense change (SIFT: "Deleterious"; PolyPhen-2: "Possibly Damaging"; Align-GVGD: "Class C0"). This variant has not been reported in the literature in individuals with CDKN1C-related conditions. In summary, the available evidence is currently insufficient to determine the role of this variant in disease. Therefore, it has been classified as a Variant of Uncertain Significance. This sequence change replaces glutamine with histidine at codon 135 of the CDKN1C protein (p.Gln135His). The glutamine residue is weakly conserved and there is a small physicochemical difference between glutamine and histidine. The frequency data for this variant in the population databases is considered unreliable, as metrics indicate insufficient coverage at this position in the ExAC database.